The following is an entry in ClinVar:

ClinVar aggregate classification (germline): Uncertain significance. Review status: criteria provided, multiple submitters, no conflicts (2 of 4 stars). 2 submissions from 2 submitters: Uncertain significance (2). Last evaluated 2023-06-02.

Conditions:
Early-onset Lafora body disease. Also called: Epilepsy, progressive myoclonic, 10. Identifiers: Orphanet 324290, MedGen C4225258, MONDO:0014717, OMIM 616640.

Allele frequency attached by ClinVar (database versions not stated): gnomAD 0.00001; ExAC 0.00002; gnomAD exomes 0.00002; TOPMed 0.00003.
gnomAD v4.1: 39 of 1,613,978 alleles (0.0024%); highest among the groups gnomAD compares: Middle Eastern, 0.016%; no homozygotes.

Submissions (2):

Ambry Genetics
Classification: Uncertain significance. Last evaluated: 2023-06-02. Review status: criteria provided, single submitter. Criteria: Ambry Variant Classification Scheme 2023. Collection method: clinical testing. Allele origin: germline.

Labcorp Genetics (formerly Invitae), Labcorp
Classification: Uncertain significance for Early-onset Lafora body disease. Last evaluated: 2022-09-06. Review status: criteria provided, single submitter. Criteria: Invitae Variant Classification Sherloc (09022015). Collection method: clinical testing. Allele origin: germline.
Comment: In summary, the available evidence is currently insufficient to determine the role of this variant in disease. Therefore, it has been classified as a Variant of Uncertain Significance. Algorithms developed to predict the effect of missense changes on protein structure and function output the following: SIFT: "Deleterious"; PolyPhen-2: "Benign"; Align-GVGD: "Class C0". The aspartic acid amino acid residue is found in multiple mammalian species, which suggests that this missense change does not adversely affect protein function. This variant has not been reported in the literature in individuals affected with PRDM8-related conditions. This variant is present in population databases (rs771063641, gnomAD 0.07%). This sequence change replaces glycine, which is neutral and non-polar, with aspartic acid, which is acidic and polar, at codon 194 of the PRDM8 protein (p.Gly194Asp).

NM_001099403.2(PRDM8):c.581G>A (p.Gly194Asp)

Gene: PRDM8 (PR/SET domain 8; plus strand). Cytogenetic location: 4q21.21.
Variant type: single nucleotide variant.
Coding change: c.581G>A on transcript NM_001099403.2 (MANE Select); coding-DNA position 581, G replaced by A.
Protein change: p.Gly194Asp; replaces glycine 194 with aspartic acid.
Molecular consequence: missense variant.
Genome position (GRCh38, 1-based): chr4:80,202,043, G>A. VCF-style: chr4-80202043-G-A. GRCh37 (hg19) VCF-style: chr4-81123197-G-A.
Other names: c.581G>A, p.Gly194Asp (NM_020226.4); c.581G>A (NM_020226.3); short protein forms G194D.
Identifiers: ClinVar variation 2152238 (VCV002152238.6), dbSNP rs771063641, ClinGen allele CA2982279.